The following is an entry in ClinVar:

NM_003898.4(SYNJ2):c.1680C>T (p.Leu560=)

Gene: SYNJ2 (synaptojanin 2; plus strand). Cytogenetic location: 6q25.3.
Variant type: single nucleotide variant.
Coding change: c.1680C>T on transcript NM_003898.4 (MANE Select); coding-DNA position 1680, C replaced by T.
Protein change: p.Leu560=; no amino-acid change (leucine 560 retained).
Molecular consequence: synonymous variant.
Genome position (GRCh38, 1-based): chr6:158,066,598, C>T. VCF-style: chr6-158066598-C-T. GRCh37 (hg19) VCF-style: chr6-158487630-C-T.
Other names: c.969C>T, p.Leu323= (NM_001178088.2); c.1680C>T, p.Leu560= (NM_001410947.1).
Identifiers: ClinVar variation 2657076 (VCV002657076.24), dbSNP rs892800200, ClinGen allele CA150928127.

ClinVar aggregate classification (germline): Likely benign (1 of 4 stars; one submission).

Allele frequency attached by ClinVar (database versions not stated): gnomAD exomes 0.00002.
gnomAD v4.1: 34 of 1,613,902 alleles (0.0021%); highest among the groups gnomAD compares: East Asian, 0.051%; no homozygotes.

Submission:

CeGaT Center for Human Genetics Tuebingen
Classification: Likely benign. Last evaluated: 2022-04-01. Review status: criteria provided, single submitter. Criteria: CeGaT Center For Human Genetics Tuebingen Variant Classification Criteria Version 2. Collection method: clinical testing. Allele origin: germline. Affected: yes. Observed: 1 variant allele.
Comment: SYNJ2: BP4, BP7